The following is an entry in ClinVar:

NM_014629.4(ARHGEF10):c.3398-7C>G

Gene: ARHGEF10 (Rho guanine nucleotide exchange factor 10; plus strand). Cytogenetic location: 8p23.3.
Variant type: single nucleotide variant.
Coding change: c.3398-7C>G on transcript NM_014629.4 (MANE Select); 7 bases into the intron before coding-DNA position 3398, C replaced by G.
Molecular consequence: intron variant.
Genome position (GRCh38, 1-based): chr8:1,952,698, C>G. VCF-style: chr8-1952698-C-G. GRCh37 (hg19) VCF-style: chr8-1900864-C-G.
Other names: c.3281-7C>G (NM_001438092.1, NM_001438093.1); c.3401-7C>G (NM_001438091.1); c.3284-7C>G (NM_001308152.2); c.3284-4051C>G (NM_001438094.1); c.3398-7C>G (NM_001308153.3).
Identifiers: ClinVar variation 2805493 (VCV002805493.3), dbSNP rs184752821, ClinGen allele CA4601361.

ClinVar aggregate classification (germline): Uncertain significance (1 of 4 stars; one submission).

gnomAD v4.1: 1 of 1,613,370 alleles (0.000062%); highest among the groups gnomAD compares: Non-Finnish European, 0.000085%; no homozygotes.

Submission:

Labcorp Genetics (formerly Invitae), Labcorp
Classification: Uncertain significance. Last evaluated: 2022-11-06. Review status: criteria provided, single submitter. Criteria: Invitae Variant Classification Sherloc (09022015). Collection method: clinical testing. Allele origin: germline.
Comment: In summary, the available evidence is currently insufficient to determine the role of this variant in disease. Therefore, it has been classified as a Variant of Uncertain Significance. Algorithms developed to predict the effect of sequence changes on RNA splicing suggest that this variant may disrupt the consensus splice site. This variant has not been reported in the literature in individuals affected with ARHGEF10-related conditions. This variant is present in population databases (rs184752821, gnomAD 0.0009%). This sequence change falls in intron 27 of the ARHGEF10 gene. It does not directly change the encoded amino acid sequence of the ARHGEF10 protein.